The following is an entry in ClinVar:

ClinVar aggregate classification (germline): Uncertain significance (1 of 4 stars; one submission).

Conditions:
Inborn genetic diseases. Identifiers: MedGen C0950123, MeSH D030342.

Submission:

Ambry Genetics
Classification: Uncertain significance for Inborn genetic diseases. Last evaluated: 2025-06-10. Review status: criteria provided, single submitter. Criteria: Ambry Variant Classification Scheme 2023. Collection method: clinical testing. Allele origin: germline.
Comment: The p.D682Y variant (also known as c.2044G>T), located in coding exon 1 of the SAMD9 gene, results from a G to T substitution at nucleotide position 2044. The aspartic acid at codon 682 is replaced by tyrosine, an amino acid with highly dissimilar properties. This amino acid position is conserved. In addition, this alteration is predicted to be tolerated by in silico analysis. Based on the available evidence, the clinical significance of this variant remains unclear.

NM_017654.4(SAMD9):c.2044G>T (p.Asp682Tyr)

Gene: SAMD9 (sterile alpha motif domain containing 9; minus strand). Cytogenetic location: 7q21.2.
Variant type: single nucleotide variant.
Coding change: c.2044G>T on transcript NM_017654.4 (MANE Select); coding-DNA position 2044, G replaced by T.
Protein change: p.Asp682Tyr; replaces aspartic acid 682 with tyrosine.
Molecular consequence: missense variant.
Genome position (GRCh38, 1-based): chr7:93,104,054, C>A on the plus strand (G>T on the coding strand, the complement: SAMD9 is on the minus strand). VCF-style: chr7-93104054-C-A. GRCh37 (hg19) VCF-style: chr7-92733367-C-A.
Other names: c.2044G>T, p.Asp682Tyr (NM_001193307.2); short protein forms D682Y.
Identifiers: ClinVar variation 3949723 (VCV003949723.1).